The following is an entry in ClinVar:

ClinVar aggregate classification (germline): Uncertain significance (1 of 4 stars; one submission).

Conditions:
Pitt-Hopkins-like syndrome 2 (PTHSL2). Identifiers: Orphanet 221150, Orphanet 600663, MedGen C3280479, MONDO:0013690, OMIM 614325.

Allele frequency attached by ClinVar (database versions not stated): gnomAD exomes below 0.00001; gnomAD 0.00001.
gnomAD v4.1: 5 of 1,592,142 alleles (0.00031%); highest among the groups gnomAD compares: African/African-American, 0.0013%; no homozygotes.

Submission:

Labcorp Genetics (formerly Invitae), Labcorp
Classification: Uncertain significance for Pitt-Hopkins-like syndrome 2. Last evaluated: 2022-05-30. Review status: criteria provided, single submitter. Criteria: Invitae Variant Classification Sherloc (09022015). Collection method: clinical testing. Allele origin: germline.
Comment: In summary, the available evidence is currently insufficient to determine the role of this variant in disease. Therefore, it has been classified as a Variant of Uncertain Significance. Algorithms developed to predict the effect of missense changes on protein structure and function (SIFT, PolyPhen-2, Align-GVGD) all suggest that this variant is likely to be tolerated. This variant has not been reported in the literature in individuals affected with NRXN1-related conditions. This variant is not present in population databases (gnomAD no frequency). This sequence change replaces glutamic acid, which is acidic and polar, with aspartic acid, which is acidic and polar, at codon 660 of the NRXN1 protein (p.Glu660Asp).

NM_001330078.2(NRXN1):c.1860A>T (p.Glu620Asp)

Gene: NRXN1 (neurexin 1; minus strand). Cytogenetic location: 2p16.3.
Variant type: single nucleotide variant.
Coding change: c.1860A>T on transcript NM_001330078.2 (MANE Select); coding-DNA position 1860, A replaced by T.
Protein change: p.Glu620Asp; replaces glutamic acid 620 with aspartic acid.
Molecular consequence: missense variant.
Genome position (GRCh38, 1-based): chr2:50,538,536, T>A on the plus strand (A>T on the coding strand, the complement: NRXN1 is on the minus strand). VCF-style: chr2-50538536-T-A. GRCh37 (hg19) VCF-style: chr2-50765674-T-A.
Other names: c.1980A>T, p.Glu660Asp (NM_001135659.3); c.1836A>T, p.Glu612Asp (NM_001330077.2, NM_001330082.2, NM_001330095.2); c.1821A>T, p.Glu607Asp (NM_001330083.2, NM_001330084.2); c.1860A>T, p.Glu620Asp (NM_001330085.2, NM_001330086.2, NM_004801.6); c.1776A>T, p.Glu592Asp (NM_001330087.2, NM_001330096.2); c.1806A>T, p.Glu602Asp (NM_001330088.2); c.1857A>T, p.Glu619Asp (NM_001330093.2); c.1848A>T, p.Glu616Asp (NM_001330094.2); short protein forms E616D, E619D, E592D, E602D, E607D, E612D, E660D, E620D.
Identifiers: ClinVar variation 2105949 (VCV002105949.4), dbSNP rs2093319536, ClinGen allele CA346771250.
Genomic context (GRCh38, chr2:50,538,536, plus strand): 5'-GTAGCCATAGTTGAGCAGAGCAGTCCACACCTCGGTGGGGAAGACAAGGCCAGCTTTATT[T>A]TCTGGCAGCCCCCCCAGGTACAACTCATCATCCAGGTCCAGAATCTCACTCTCACCAGGA-3'
Protein context (NP_001317007.1, residues 610-630): DDELYLGGLP[Glu620Asp]NKAGLVFPTE